The following is an entry in ClinVar:

NM_000051.4(ATM):c.855_856delinsCT (p.Gln286Ter)

Gene: ATM (ATM serine/threonine kinase; plus strand). Cytogenetic location: 11q22.3.
Variant type: Indel.
Coding change: c.855_856delinsCT on transcript NM_000051.4 (MANE Select); coding-DNA positions 855 to 856, GC replaced by CT.
Protein change: p.Gln286Ter; replaces glutamine 286 with a stop codon.
Molecular consequence: nonsense.
Genome position (GRCh38, 1-based): chr11:108,244,980-108,244,981, GC replaced by CT. VCF-style: chr11-108244980-GC-CT. GRCh37 (hg19) VCF-style: chr11-108115707-GC-CT.
Other names: c.855_856delinsCT, p.Gln286Ter (NM_001351834.2); short protein forms Q286*.
Identifiers: ClinVar variation 854138 (VCV000854138.7), dbSNP rs2079771517, ClinGen allele CA916080486.

ClinVar aggregate classification (germline): Pathogenic (1 of 4 stars; one submission).

Conditions:
Ataxia-telangiectasia syndrome (AT). Also called: Ataxia-telangiectasia, complementation group E; Cerebello-oculocutaneous telangiectasia; Immunodeficiency with ataxia telangiectasia; Ataxia-telangiectasia, complementation group D; AT, COMPLEMENTATION GROUP C; Ataxia-telangiectasia. Identifiers: Orphanet 100, MedGen C0004135, MONDO:0008840, OMIM 208900.

Submission:

Labcorp Genetics (formerly Invitae), Labcorp
Classification: Pathogenic for Ataxia-telangiectasia syndrome. Last evaluated: 2019-11-26. Review status: criteria provided, single submitter. Criteria: Invitae Variant Classification Sherloc (09022015). Collection method: clinical testing. Allele origin: germline.
Comment: This sequence change creates a premature translational stop signal (p.Gln286*) in the ATM gene. It is expected to result in an absent or disrupted protein product. This variant is not present in population databases (ExAC no frequency). This variant has not been reported in the literature in individuals with ATM-related conditions. Loss-of-function variants in ATM are known to be pathogenic (PMID: 23807571, 25614872). For these reasons, this variant has been classified as Pathogenic.

Literature cited by the submitters: PubMed 23807571; PubMed 25614872.